The following is an entry in ClinVar:

ClinVar aggregate classification (germline): Pathogenic. Review status: criteria provided, multiple submitters, no conflicts (2 of 4 stars). 2 submissions from 2 submitters: Pathogenic (2). Last evaluated 2026-04-26.

Conditions:
Inborn genetic diseases. Identifiers: MedGen C0950123, MeSH D030342.

Submissions (2):

GeneDx
Classification: Pathogenic. Last evaluated: 2026-04-26. Review status: criteria provided, single submitter. Criteria: GeneDx Variant Classification Process June 2021. Collection method: clinical testing. Allele origin: germline.
Comment: Frameshift variant predicted to result in protein truncation or nonsense mediated decay in a gene for which loss of function is a known mechanism of disease; Not observed at significant frequency in large population cohorts (gnomAD); Has not been previously published as pathogenic or benign to our knowledge

Ambry Genetics
Classification: Pathogenic for Inborn genetic diseases. Last evaluated: 2022-06-03. Review status: criteria provided, single submitter. Criteria: Ambry Variant Classification Scheme 2023. Collection method: clinical testing. Allele origin: germline.
Comment: The c.522delC (p.A175Rfs*43) alteration, located in exon 2 (coding exon 1) of the ZBTB7A gene, consists of a deletion of one nucleotide at position 522, causing a translational frameshift with a predicted alternate stop codon after 43 amino acids. This alteration is expected to result in loss of function by premature protein truncation or nonsense-mediated mRNA decay. This variant was not reported in population-based cohorts in the Genome Aggregation Database (gnomAD). Based on the available evidence, this alteration is classified as pathogenic.

NM_015898.4(ZBTB7A):c.522del (p.Ala175fs)

Gene: ZBTB7A (zinc finger and BTB domain containing 7A; minus strand). Cytogenetic location: 19p13.3.
Variant type: Deletion.
Coding change: c.522del on transcript NM_015898.4 (MANE Select); coding-DNA position 522, one base deleted (C; older notation c.522delC).
Protein change: p.Ala175fs; shifts the reading frame from alanine 175.
Molecular consequence: frameshift variant.
Genome position (GRCh38, 1-based): chr19:4,054,711, G deleted on the plus strand (C on the coding strand, the reverse complement: ZBTB7A is on the minus strand); the first of 6 consecutive G bases (chr19:4,054,711-4,054,716); deleting any one gives the same sequence. VCF-style (leftmost placement, unchanged base first): chr19-4054710-CG-C. GRCh37 (hg19) VCF-style: chr19-4054708-CG-C.
Other names: c.522del, p.Ala175fs (NM_001317990.2); c.522del (NM_015898.3); short protein forms A175fs.
Identifiers: ClinVar variation 3192187 (VCV003192187.2), dbSNP rs749935719, ClinGen allele CA2584874611.